The following is an entry in ClinVar:

ClinVar aggregate classification (germline): Pathogenic. Review status: criteria provided, multiple submitters, no conflicts (2 of 4 stars). 2 submissions from 2 submitters: Pathogenic (2). Last evaluated 2024-03-09.

Conditions:
Hereditary spastic paraplegia 4. Also called: Spastic paraplegia 4, autosomal dominant; Spastic Paraplegia 4; Familial spastic paraplegia autosomal dominant 2. Identifiers: Orphanet 100985, MedGen C1866855, MONDO:0008438, OMIM 182601.

Submissions (2):

Labcorp Genetics (formerly Invitae), Labcorp
Classification: Pathogenic for Hereditary spastic paraplegia 4. Last evaluated: 2024-03-09. Review status: criteria provided, single submitter. Criteria: Invitae Variant Classification Sherloc (09022015). Collection method: clinical testing. Allele origin: germline.
Comment: This sequence change creates a premature translational stop signal (p.Gln355*) in the SPAST gene. It is expected to result in an absent or disrupted protein product. Loss-of-function variants in SPAST are known to be pathogenic (PMID: 20932283). This variant is not present in population databases (gnomAD no frequency). This variant has not been reported in the literature in individuals affected with SPAST-related conditions. ClinVar contains an entry for this variant (Variation ID: 987085). For these reasons, this variant has been classified as Pathogenic.

Institute of Medical Genetics and Applied Genomics, University Hospital Tübingen
Classification: Pathogenic. Last evaluated: 2020-10-23. Review status: criteria provided, single submitter. Criteria: ACMG Guidelines, 2015. Collection method: clinical testing. Allele origin: germline. Inheritance: Unknown mechanism. Affected: yes.

Literature cited by the submitters: PubMed 20932283 (cited by Labcorp Genetics (formerly Invitae), Labcorp).

NM_014946.4(SPAST):c.1063C>T (p.Gln355Ter)

Gene: SPAST (spastin; plus strand). Cytogenetic location: 2p22.3.
Variant type: single nucleotide variant.
Coding change: c.1063C>T on transcript NM_014946.4 (MANE Select); coding-DNA position 1063, C replaced by T.
Protein change: p.Gln355Ter; replaces glutamine 355 with a stop codon.
Molecular consequence: nonsense.
Genome position (GRCh38, 1-based): chr2:32,116,177, C>T. VCF-style: chr2-32116177-C-T. GRCh37 (hg19) VCF-style: chr2-32341246-C-T.
Other names: c.1060C>T, p.Gln354Ter (NM_001363823.2); c.964C>T, p.Gln322Ter (NM_001363875.2); c.967C>T, p.Gln323Ter (NM_001377959.1, NM_199436.2); short protein forms Q322*, Q323*, Q354*, Q355*.
Identifiers: ClinVar variation 987085 (VCV000987085.4), dbSNP rs1678826642, ClinGen allele CA346499765.
Genomic context (GRCh38, chr2:32,116,177, plus strand): 5'-AGTGGAACAGCTGTTAAATTTGATGATATAGCTGGTCAAGACTTGGCAAAACAAGCATTG[C>T]AAGAAATTGTTATTCTTCCTTCTCTGAGGCCTGAGGTAAGAACTTTATATTATCATTTTT-3'